The following is an entry in ClinVar:

ClinVar aggregate classification (germline): Uncertain significance (1 of 4 stars; one submission).

Conditions:
Gorlin syndrome. Also called: Basal cell nevus syndrome; Nevoid Basal Cell Carcinoma Syndrome. Identifiers: Orphanet 377, MedGen C0004779, MONDO:0007187.

Submission:

Labcorp Genetics (formerly Invitae), Labcorp
Classification: Uncertain significance for Gorlin syndrome. Last evaluated: 2023-02-06. Review status: criteria provided, single submitter. Criteria: Invitae Variant Classification Sherloc (09022015). Collection method: clinical testing. Allele origin: germline.
Comment: This variant, c.2712_2714del, results in the deletion of 1 amino acid(s) of the PTCH1 protein (p.Gln905del), but otherwise preserves the integrity of the reading frame. This variant is not present in population databases (gnomAD no frequency). This variant has not been reported in the literature in individuals affected with PTCH1-related conditions. Experimental studies and prediction algorithms are not available or were not evaluated, and the functional significance of this variant is currently unknown. In summary, the available evidence is currently insufficient to determine the role of this variant in disease. Therefore, it has been classified as a Variant of Uncertain Significance.

NM_000264.5(PTCH1):c.2712_2714del (p.Gln905del)

Gene: PTCH1 (patched 1; minus strand). Cytogenetic location: 9q22.32.
Variant type: Deletion.
Coding change: c.2712_2714del on transcript NM_000264.5 (MANE Select); coding-DNA positions 2712 to 2714, 3 bases deleted (ACA; older notation c.2712_2714delACA).
Protein change: p.Gln905del; deletes glutamine 905.
Molecular consequence: inframe deletion. On other transcripts: non-coding transcript variant (1).
Genome position (GRCh38, 1-based): chr9:95,459,773-95,459,775, TGT deleted on the plus strand (ACA on the coding strand, the reverse complement: PTCH1 is on the minus strand); deleting any 3 consecutive bases within chr9:95,459,773-95,459,776 gives the same sequence; the c. name uses the placement nearest the transcript's 3' end. VCF-style (leftmost placement, unchanged base first): chr9-95459772-CTGT-C. GRCh37 (hg19) VCF-style: chr9-98222054-CTGT-C.
Other names: c.2514_2516del, p.Gln839del (NM_001083602.3); c.2709_2711del, p.Gln904del (NM_001083603.3); c.2259_2261del, p.Gln754del (NM_001083604.3, NM_001083605.3, NM_001083606.3 and 1 more transcripts); c.2556_2558del, p.Gln853del (NM_001354918.2); short protein forms Q904del, Q853del, Q754del, Q905del, Q839del.
Identifiers: ClinVar variation 1958305 (VCV001958305.5), dbSNP rs2538080961, ClinGen allele CA2580080790.